The following is an entry in ClinVar:

NM_001375567.1(FOCAD):c.4133-5T>G

Gene: FOCAD (focadhesin; plus strand). Cytogenetic location: 9p21.3.
Variant type: single nucleotide variant.
Coding change: c.4133-5T>G on transcript NM_001375567.1 (MANE Select); 5 bases into the intron before coding-DNA position 4133, T replaced by G.
Molecular consequence: intron variant.
Genome position (GRCh38, 1-based): chr9:20,976,415, T>G. VCF-style: chr9-20976415-T-G. GRCh37 (hg19) VCF-style: chr9-20976414-T-G.
Other names: c.4133-5T>G (NM_017794.5); c.4028-5T>G (NM_001375568.1, NM_001375570.1).
Identifiers: ClinVar variation 3644691 (VCV003644691.2).

ClinVar aggregate classification (germline): Uncertain significance (1 of 4 stars; one submission).

gnomAD v4.1: 2 of 1,612,516 alleles (0.00012%); highest among the groups gnomAD compares: African/African-American, 0.0027%; no homozygotes.

Submission:

Labcorp Genetics (formerly Invitae), Labcorp
Classification: Uncertain significance. Last evaluated: 2024-04-17. Review status: criteria provided, single submitter. Criteria: Invitae Variant Classification Sherloc (09022015). Collection method: clinical testing. Allele origin: germline.
Comment: This sequence change falls in intron 37 of the FOCAD gene. It does not directly change the encoded amino acid sequence of the FOCAD protein. This variant is present in population databases (rs764568890, gnomAD 0.007%). This variant has not been reported in the literature in individuals affected with FOCAD-related conditions. Algorithms developed to predict the effect of sequence changes on RNA splicing suggest that this variant may disrupt the consensus splice site. In summary, the available evidence is currently insufficient to determine the role of this variant in disease. Therefore, it has been classified as a Variant of Uncertain Significance.